The following is an entry in ClinVar:

NM_032776.3(JMJD1C):c.3119A>C (p.Lys1040Thr)

Gene: JMJD1C (jumonji domain containing 1C; minus strand). Cytogenetic location: 10q21.3.
Variant type: single nucleotide variant.
Coding change: c.3119A>C on transcript NM_032776.3 (MANE Select); coding-DNA position 3119, A replaced by C.
Protein change: p.Lys1040Thr; replaces lysine 1040 with threonine.
Molecular consequence: missense variant. On other transcripts: non-coding transcript variant (1).
Genome position (GRCh38, 1-based): chr10:63,208,550, T>G on the plus strand (A>C on the coding strand, the complement: JMJD1C is on the minus strand). VCF-style: chr10-63208550-T-G. GRCh37 (hg19) VCF-style: chr10-64968310-T-G.
Other names: c.2573A>C, p.Lys858Thr (NM_001282948.2, NM_001318154.2); c.2255A>C, p.Lys752Thr (NM_001318153.2); c.3005A>C, p.Lys1002Thr (NM_001322252.2); c.2462A>C, p.Lys821Thr (NM_001322254.2, NM_001322258.2); short protein forms K752T, K821T, K1002T, K1040T, K858T.
Identifiers: ClinVar variation 3717686 (VCV003717686.2).

ClinVar aggregate classification (germline): Uncertain significance (1 of 4 stars; one submission).

Conditions:
Early Myoclonic Encephalopathy. Identifiers: MedGen C0270855.

Submission:

Labcorp Genetics (formerly Invitae), Labcorp
Classification: Uncertain significance for Early Myoclonic Encephalopathy. Last evaluated: 2024-09-17. Review status: criteria provided, single submitter. Criteria: Invitae Variant Classification Sherloc (09022015). Collection method: clinical testing. Allele origin: germline.
Comment: This sequence change replaces lysine, which is basic and polar, with threonine, which is neutral and polar, at codon 1040 of the JMJD1C protein (p.Lys1040Thr). This variant is not present in population databases (gnomAD no frequency). This variant has not been reported in the literature in individuals affected with JMJD1C-related conditions. Invitae Evidence Modeling of protein sequence and biophysical properties (such as structural, functional, and spatial information, amino acid conservation, physicochemical variation, residue mobility, and thermodynamic stability) indicates that this missense variant is not expected to disrupt JMJD1C protein function with a negative predictive value of 80%. In summary, the available evidence is currently insufficient to determine the role of this variant in disease. Therefore, it has been classified as a Variant of Uncertain Significance.